The following is an entry in ClinVar:

NM_001256114.2(LHX8):c.92C>T (p.Ala31Val)

Gene: LHX8 (LIM homeobox 8; plus strand). Cytogenetic location: 1p31.1.
Variant type: single nucleotide variant.
Coding change: c.92C>T on transcript NM_001256114.2 (MANE Select); coding-DNA position 92, C replaced by T.
Protein change: p.Ala31Val; replaces alanine 31 with valine.
Molecular consequence: missense variant.
Genome position (GRCh38, 1-based): chr1:75,137,116, C>T. VCF-style: chr1-75137116-C-T. GRCh37 (hg19) VCF-style: chr1-75602801-C-T.
Other names: c.122C>T, p.Ala41Val (NM_001001933.1); short protein forms A31V, A41V.
Identifiers: ClinVar variation 787748 (VCV000787748.6), dbSNP rs141641179, ClinGen allele CA911817.

ClinVar aggregate classification (germline): Benign. Review status: criteria provided, multiple submitters, no conflicts (2 of 4 stars). 3 submissions from 3 submitters: Benign (2). 1 of the submissions does not count toward it. Last evaluated 2018-05-18.

Conditions:
LHX8-related disorder. Also called: LHX8-related condition.

Allele frequency attached by ClinVar (database versions not stated): gnomAD exomes 0.00086 and 0.00233; ExAC 0.00274; 1000 Genomes Project 0.00779; 1000 Genomes Project 30x 0.00781; gnomAD 0.00939 and 0.01020; ESP Exome Variant Server 0.00993; TOPMed 0.01058.
gnomAD v4.1: 2,746 of 1,606,270 alleles (0.17%); highest among the groups gnomAD compares: African/African-American, 3.2%; 50 homozygotes.

Submissions (3):

Labcorp Genetics (formerly Invitae), Labcorp
Classification: Benign. Last evaluated: 2018-05-18. Review status: criteria provided, single submitter. Criteria: Invitae Variant Classification Sherloc (09022015). Collection method: clinical testing. Allele origin: germline.

Breakthrough Genomics
Classification: Benign. Review status: criteria provided, single submitter. Criteria: ACMG Guidelines, 2015. Collection method: not provided. Allele origin: germline. Inheritance: Unknown mechanism. Affected: yes.

PreventionGenetics, part of Exact Sciences
Classification: Benign for LHX8-related condition. Last evaluated: 2019-03-18. Review status: no assertion criteria provided. Collection method: clinical testing. Allele origin: germline. Not counted in ClinVar's aggregate classification.
Comment: This variant is classified as benign based on ACMG/AMP sequence variant interpretation guidelines (Richards et al. 2015 PMID: 25741868, with internal and published modifications).